The following is an entry in ClinVar:

ClinVar aggregate classification (germline): Uncertain significance. Review status: criteria provided, multiple submitters, no conflicts (2 of 4 stars). 7 submissions from 7 submitters: Uncertain significance (6). 1 of the submissions does not count toward it. Last evaluated 2025-11-05.

Conditions:
Gastric cancer. Also called: Stomach cancer; Malignant tumor of stomach. Identifiers: MedGen C0024623, MeSH D013274, MONDO:0001056, OMIM 613659, HP:0012126.
Colorectal cancer. Also called: Colorectal cancer, somatic; Malignant Colorectal Neoplasm. Identifiers: MedGen C0346629, MONDO:0005575, OMIM 114500.
Familial adenomatous polyposis 1 (FAP1). Also called: FAMILIAL ADENOMATOUS POLYPOSIS 1, ATTENUATED; POLYPOSIS, ADENOMATOUS INTESTINAL. Identifiers: MedGen C2713442, MONDO:0021056, OMIM 175100. Disease mechanism: loss of function.
Hepatocellular carcinoma (HCC). Also called: Primary carcinoma of liver; HEPATOMA; LIVER CELL CARCINOMA. Identifiers: Orphanet 88673, MedGen C2239176, MONDO:0007256, OMIM 114550, HP:0001402.
Desmoid disease, hereditary (DESMD). Also called: FIBROMATOSIS, FAMILIAL INFILTRATIVE. Identifiers: Orphanet 873, MedGen C1851124, OMIM 135290. Disease mechanism: loss of function.
Gastric adenocarcinoma and proximal polyposis of the stomach (GAPPS). Also called: Polyposis, gastric, Dos Santos and de Magalhaes 1980; POLYPOSIS, GASTRIC; Gastric Adenocarcinoma and Proximal Polyposis of the Stomach (GAPPS). Identifiers: Orphanet 314022, MedGen C4749917, MONDO:0017790, OMIM 619182.
Carcinoma of colon (CRC). Also called: Colon carcinoma; Colonic carcinoma. Identifiers: MedGen C0699790, MONDO:0002032.
Classic or attenuated familial adenomatous polyposis. Identifiers: MedGen CN372698, MONDO:0021057.
Hereditary cancer-predisposing syndrome. Also called: Tumor predisposition; Hereditary neoplastic syndrome; Neoplastic Syndromes, Hereditary; Hereditary Cancer Syndrome. Identifiers: Orphanet 140162, MedGen C0027672, MeSH D009386, MONDO:0015356.

Allele frequency attached by ClinVar (database versions not stated): gnomAD exomes 0.00001.
gnomAD v4.1: 14 of 1,614,124 alleles (0.00087%); highest among the groups gnomAD compares: Non-Finnish European, 0.0012%; no homozygotes.

Submissions (7):

Labcorp Genetics (formerly Invitae), Labcorp
Classification: Uncertain significance for Familial adenomatous polyposis 1. Last evaluated: 2025-11-05. Review status: criteria provided, single submitter. Criteria: Invitae Variant Classification Sherloc (09022015). Collection method: clinical testing. Allele origin: germline.
Comment: This sequence change replaces serine, which is neutral and polar, with glycine, which is neutral and non-polar, at codon 1421 of the APC protein (p.Ser1421Gly). This variant is not present in population databases (gnomAD no frequency). This variant has not been reported in the literature in individuals affected with APC-related conditions. ClinVar contains an entry for this variant (Variation ID: 469958). Invitae Evidence Modeling of protein sequence and biophysical properties (such as structural, functional, and spatial information, amino acid conservation, physicochemical variation, residue mobility, and thermodynamic stability) indicates that this missense variant is not expected to disrupt APC protein function with a negative predictive value of 95%. In summary, the available evidence is currently insufficient to determine the role of this variant in disease. Therefore, it has been classified as a Variant of Uncertain Significance.

Color Diagnostics, LLC DBA Color Health
Classification: Uncertain significance for Hereditary cancer-predisposing syndrome. Last evaluated: 2025-05-13. Review status: criteria provided, single submitter. Criteria: ACMG Guidelines, 2015. Collection method: clinical testing. Allele origin: germline.
Comment: This missense variant replaces serine with glycine at codon 1421 of the APC protein. Computational prediction is inconclusive regarding the impact of this variant on protein structure and function. To our knowledge, functional studies have not been reported for this variant. This variant has not been reported in individuals affected with APC-related disorders in the literature. This variant has not been identified in the general population by the Genome Aggregation Database (gnomAD). The available evidence is insufficient to determine the role of this variant in disease conclusively. Therefore, this variant is classified as a Variant of Uncertain Significance.

Ambry Genetics
Classification: Uncertain significance for Hereditary cancer-predisposing syndrome. Last evaluated: 2025-05-09. Review status: criteria provided, single submitter. Criteria: Ambry Variant Classification Scheme 2023. Collection method: clinical testing. Allele origin: germline.
Comment: The p.S1421G variant (also known as c.4261A>G), located in coding exon 15 of the APC gene, results from an A to G substitution at nucleotide position 4261. The serine at codon 1421 is replaced by glycine, an amino acid with similar properties. This amino acid position is highly conserved in available vertebrate species. In addition, in silico predictors for this gene do not accurately predict pathogenicity. Missense alterations in APC are not a common cause of disease (Spier I et al. Genet Med. 2024 Feb;26(2):100992). Based on the available evidence, the clinical significance of this variant remains unclear.

Fulgent Genetics
Classification: Uncertain significance for Colorectal cancer; Hepatocellular carcinoma; Desmoid disease, hereditary; Familial adenomatous polyposis 1; Gastric cancer; Gastric adenocarcinoma and proximal polyposis of the stomach. Last evaluated: 2024-05-21. Review status: criteria provided, single submitter. Criteria: ACMG Guidelines, 2015. Collection method: clinical testing. Allele origin: germline.

All of Us Research Program, National Institutes of Health
Classification: Uncertain significance for Classic or attenuated familial adenomatous polyposis. Last evaluated: 2023-08-15. Review status: criteria provided, single submitter. Criteria: ACMG Guidelines, 2015. Collection method: clinical testing. Allele origin: germline. Inheritance: Autosomal dominant inheritance. Observed: 1 variant allele, 1 heterozygote.
Comment: This study involves interpretation of variants in research participants for the purpose of population health screening. Participant phenotype was not available at the time of variant classification. Additional details can be found in publication PMID: 35346344, PMCID: PMC8962531

GeneDx
Classification: Uncertain significance. Last evaluated: 2023-01-17. Review status: criteria provided, single submitter. Criteria: GeneDx Variant Classification Process June 2021. Collection method: clinical testing. Allele origin: germline. Affected: yes.
Comment: Not observed at significant frequency in large population cohorts (gnomAD); In silico analysis supports that this missense variant has a deleterious effect on protein structure/function; Has not been previously published as pathogenic or benign to our knowledge; This variant is associated with the following publications: (PMID: 18199528)

Department of Pathology and Laboratory Medicine, Sinai Health System
Classification: Uncertain significance for Carcinoma of colon. Review status: no assertion criteria provided. Collection method: clinical testing. Allele origin: unknown. Affected: yes. Observed: 1 variant allele. Study: The Canadian Open Genetics Repository (COGR). Not counted in ClinVar's aggregate classification.
Comment: The APC p.Ser1421Gly variant was not identified in the literature nor was it identified in the dbSNP, GeneInsight-COGR, Cosmic, MutDB, UMD-LSDB, Clinvitae or Zhejiang Colon Cancer databases. The variant was identified in the ClinVar database as having uncertain significance by Invitae and listed 1X in the LOVD 3.0 database. The variant was not identified in the following control databases: the 1000 Genomes Project, the NHLBI GO Exome Sequencing Project, and the Exome Aggregation Consortium (August 8th 2016), or the Genome Aggregation Database (Feb 27, 2017). The serine residue at amino acid 1421 is conserved in mammals and computational analyses (PolyPhen-2, SIFT, AlignGVGD, BLOSUM, MutationTaster) provide inconsistent predictions regarding the impact of altering it; this information is insufficient to establish pathogenicity. The variant occurs outside of the splicing consensus sequence and although 4 of 5 in silico or computational prediction software programs (SpliceSiteFinder, MaxEntScan, NNSPLICE, GeneSplicer, HumanSpliceFinder) predict that it could cause a greater than 10% difference in splicing, this is not predictive enough to assume pathogenicity. In summary, based on the above information the clinical significance of this variant cannot be determined with certainty at this time. This variant is classified as a variant of uncertain significance.

NM_000038.6(APC):c.4261A>G (p.Ser1421Gly)

Gene: APC (APC regulator of Wnt signaling pathway; plus strand). Cytogenetic location: 5q22.2.
Variant type: single nucleotide variant.
Coding change: c.4261A>G on transcript NM_000038.6 (MANE Select); coding-DNA position 4261, A replaced by G.
Protein change: p.Ser1421Gly; replaces serine 1421 with glycine.
Molecular consequence: missense variant.
Genome position (GRCh38, 1-based): chr5:112,839,855, A>G. VCF-style: chr5-112839855-A-G. GRCh37 (hg19) VCF-style: chr5-112175552-A-G.
Other names: c.4261A>G, p.Ser1421Gly (NM_001127510.3, NM_001354895.2); c.4207A>G, p.Ser1403Gly (NM_001127511.3); c.4315A>G, p.Ser1439Gly (NM_001354896.2); c.4291A>G, p.Ser1431Gly (NM_001354897.2); c.4186A>G, p.Ser1396Gly (NM_001354898.2); c.4177A>G, p.Ser1393Gly (NM_001354899.2); c.4138A>G, p.Ser1380Gly (NM_001354900.2); c.4084A>G, p.Ser1362Gly (NM_001354901.2); and 5 more; short protein forms S1403G, S1421G, S1320G, S1330G, S1431G, S1261G, S1362G, S1380G.
Identifiers: ClinVar variation 469958 (VCV000469958.27), dbSNP rs1303200783, ClinGen allele CA16030666.